The following is an entry in ClinVar:

GRCh38/hg38 5q11.2(chr5:52768240-53378841)x3

Genes: ITGA1 (integrin subunit alpha 1; plus strand), ITGA2 (integrin subunit alpha 2; plus strand), ITGA2-AS1 (ITGA2 antisense RNA 1; minus strand), MOCS2 (molybdenum cofactor synthesis 2; minus strand), MOCS2-DT (MOCS2 divergent transcript; plus strand) and 13 more. Cytogenetic location: 5q11.2.
Variant type: copy number gain.
Change: copy number 3 (three copies instead of two) of chr5:52,768,240-53,378,841 (610.6 kb, GRCh38 coordinates, 1-based), cytogenetic band 5q11.2.
Identifiers: ClinVar variation 5038347 (VCV005038347.1).

ClinVar aggregate classification (germline): Uncertain significance (1 of 4 stars; one submission).

Submission:

Clinical Genomics Laboratory, Laboratory for Precision Diagnostics, University of Washington
Classification: Uncertain significance. Last evaluated: 2025-03-04. Review status: criteria provided, single submitter. Criteria: ACMG/ClinGen CNV Guidelines, 2019. Collection method: clinical testing. Allele origin: inherited. Affected: yes. Observed: 1 variant allele.